The following is an entry in ClinVar:

ClinVar aggregate classification (germline): Likely benign (0 of 4 stars; one submission).

Conditions:
RPGRIP1L-related disorder. Also called: RPGRIP1L-related condition; RPGRIP1L-related disorders. Identifiers: MedGen CN239416.

gnomAD v4.1: 19 of 1,613,918 alleles (0.0012%); highest among the groups gnomAD compares: Non-Finnish European, 0.0014%; no homozygotes.

Submission:

PreventionGenetics, part of Exact Sciences
Classification: Likely benign for RPGRIP1L-related condition. Last evaluated: 2024-01-09. Review status: no assertion criteria provided. Collection method: clinical testing. Allele origin: germline.
Comment: This variant is classified as likely benign based on ACMG/AMP sequence variant interpretation guidelines (Richards et al. 2015 PMID: 25741868, with internal and published modifications).

NM_015272.5(RPGRIP1L):c.3576A>G (p.Lys1192=)

Gene: RPGRIP1L (RPGRIP1 like; minus strand). Cytogenetic location: 16q12.2.
Variant type: single nucleotide variant.
Coding change: c.3576A>G on transcript NM_015272.5 (MANE Select); coding-DNA position 3576, A replaced by G.
Protein change: p.Lys1192=; no amino-acid change (lysine 1192 retained).
Molecular consequence: synonymous variant.
Genome position (GRCh38, 1-based): chr16:53,619,065, T>C on the plus strand (A>G on the coding strand, the complement: RPGRIP1L is on the minus strand). VCF-style: chr16-53619065-T-C. GRCh37 (hg19) VCF-style: chr16-53652977-T-C.
Other names: c.3336A>G, p.Lys1112= (NM_001127897.4); c.3438A>G, p.Lys1146= (NM_001308334.3); c.3474A>G, p.Lys1158= (NM_001330538.2).
Identifiers: ClinVar variation 3355507 (VCV003355507.1).